The following is an entry in ClinVar:

ClinVar aggregate classification (germline): Pathogenic (1 of 4 stars; one submission).

Conditions:
Ataxia-telangiectasia-like disorder (ATLD). Identifiers: MedGen C1858391, MONDO:0011457.

Submission:

Labcorp Genetics (formerly Invitae), Labcorp
Classification: Pathogenic for Ataxia-telangiectasia-like disorder. Last evaluated: 2024-08-31. Review status: criteria provided, single submitter. Criteria: Invitae Variant Classification Sherloc (09022015). Collection method: clinical testing. Allele origin: germline.
Comment: This sequence change creates a premature translational stop signal (p.Ser268Lysfs*23) in the MRE11 gene. It is expected to result in an absent or disrupted protein product. Loss-of-function variants in MRE11 are known to be pathogenic (PMID: 23080121, 23912341). This variant is not present in population databases (gnomAD no frequency). This variant has not been reported in the literature in individuals affected with MRE11-related conditions. For these reasons, this variant has been classified as Pathogenic.

Literature cited by the submitters: PubMed 23080121; PubMed 23912341.

NM_005591.4(MRE11):c.800dup (p.Ser268fs)

Gene: MRE11 (MRE11 double strand break repair nuclease; minus strand). Cytogenetic location: 11q21.
Variant type: Duplication.
Coding change: c.800dup on transcript NM_005591.4 (MANE Select); coding-DNA position 800, one base duplicated (G; older notation c.800dupG).
Protein change: p.Ser268fs; shifts the reading frame from serine 268.
Molecular consequence: frameshift variant.
Genome position (GRCh38, 1-based): chr11:94,471,619, C duplicated on the plus strand (G on the coding strand, the reverse complement: MRE11 is on the minus strand); the first of 2 consecutive C bases (chr11:94,471,619-94,471,620); duplicating either gives the same sequence. VCF-style (leftmost placement, unchanged base first): chr11-94471618-T-TC. GRCh37 (hg19) VCF-style: chr11-94204784-T-TC.
Other names: c.800dup, p.Ser268fs (NM_001330347.2, NM_005590.4); short protein forms S268fs.
Identifiers: ClinVar variation 3662925 (VCV003662925.2).